The following is an entry in ClinVar:

NM_138576.4(BCL11B):c.2264C>T (p.Pro755Leu)

Gene: BCL11B (BCL11 transcription factor B; minus strand). Cytogenetic location: 14q32.2.
Variant type: single nucleotide variant.
Coding change: c.2264C>T on transcript NM_138576.4 (MANE Select); coding-DNA position 2264, C replaced by T.
Protein change: p.Pro755Leu; replaces proline 755 with leucine.
Molecular consequence: missense variant.
Genome position (GRCh38, 1-based): chr14:99,174,572, G>A on the plus strand (C>T on the coding strand, the complement: BCL11B is on the minus strand). VCF-style: chr14-99174572-G-A. GRCh37 (hg19) VCF-style: chr14-99640909-G-A.
Other names: c.2261C>T, p.Pro754Leu (NM_001282237.2); c.2048C>T, p.Pro683Leu (NM_001282238.2); c.2051C>T, p.Pro684Leu (NM_022898.3); short protein forms P754L, P755L, P683L, P684L.
Identifiers: ClinVar variation 2772976 (VCV002772976.3), dbSNP rs1433585634, ClinGen allele CA390933603.
Genomic context (GRCh38, chr14:99,174,572, plus strand): 5'-CTGCCTCCGCTGGCCGTGCCGCTGCGGCCCGAGAGGCCGCCGTCCAGCAGGTCCCCGGGC[G>A]GCGTGGAGAAGCGCAGGCTGCCGTTCTCGGACGAGTGCTCGGACGACGTGGCGAAGGGCG-3'
Protein context (NP_612808.1, residues 745-765): SENGSLRFST[Pro755Leu]PGDLLDGGLS

ClinVar aggregate classification (germline): Uncertain significance (1 of 4 stars; one submission).

Allele frequency attached by ClinVar (database versions not stated): gnomAD exomes below 0.00001.
gnomAD v4.1: 3 of 1,518,572 alleles (0.0002%); highest among the groups gnomAD compares: Non-Finnish European, 0.00018%; no homozygotes.

Submission:

Labcorp Genetics (formerly Invitae), Labcorp
Classification: Uncertain significance. Last evaluated: 2023-10-30. Review status: criteria provided, single submitter. Criteria: Invitae Variant Classification Sherloc (09022015). Collection method: clinical testing. Allele origin: germline.
Comment: This sequence change replaces proline, which is neutral and non-polar, with leucine, which is neutral and non-polar, at codon 755 of the BCL11B protein (p.Pro755Leu). The frequency data for this variant in the population databases is considered unreliable, as metrics indicate poor data quality at this position in the gnomAD database. This variant has not been reported in the literature in individuals affected with BCL11B-related conditions. Advanced modeling of protein sequence and biophysical properties (such as structural, functional, and spatial information, amino acid conservation, physicochemical variation, residue mobility, and thermodynamic stability) has been performed at Invitae for this missense variant, however the output from this modeling did not meet the statistical confidence thresholds required to predict the impact of this variant on BCL11B protein function. In summary, the available evidence is currently insufficient to determine the role of this variant in disease. Therefore, it has been classified as a Variant of Uncertain Significance.